The following is an entry in ClinVar:

ClinVar aggregate classification (germline): Uncertain significance (1 of 4 stars; one submission).

Conditions:
Immunodeficiency 28 (IMD28). Also called: IFNGR2 DEFICIENCY. Identifiers: Orphanet 319547, Orphanet 319574, MedGen C4013947, MONDO:0013953, OMIM 614889.

Allele frequency attached by ClinVar (database versions not stated): ExAC 0.00001; gnomAD 0.00001; gnomAD exomes 0.00002 and 0.00004; TOPMed 0.00002.
gnomAD v4.1: 24 of 1,613,952 alleles (0.0015%); highest among the groups gnomAD compares: Admixed American, 0.015%; no homozygotes.

Submission:

Labcorp Genetics (formerly Invitae), Labcorp
Classification: Uncertain significance for Immunodeficiency 28. Last evaluated: 2021-09-24. Review status: criteria provided, single submitter. Criteria: Invitae Variant Classification Sherloc (09022015). Collection method: clinical testing. Allele origin: germline.
Comment: This sequence change replaces methionine with threonine at codon 80 of the IFNGR2 protein (p.Met80Thr). The methionine residue is weakly conserved and there is a moderate physicochemical difference between methionine and threonine. This variant is present in population databases (rs775577939, ExAC 0.009%). This variant has not been reported in the literature in individuals with IFNGR2-related conditions. Algorithms developed to predict the effect of missense changes on protein structure and function (SIFT, PolyPhen-2, Align-GVGD) all suggest that this variant is likely to be tolerated, but these predictions have not been confirmed by published functional studies and their clinical significance is uncertain. In summary, the available evidence is currently insufficient to determine the role of this variant in disease. Therefore, it has been classified as a Variant of Uncertain Significance.

NM_005534.4(IFNGR2):c.239T>C (p.Met80Thr)

Gene: IFNGR2 (interferon gamma receptor 2; plus strand). Cytogenetic location: 21q22.11.
Variant type: single nucleotide variant.
Coding change: c.239T>C on transcript NM_005534.4 (MANE Select); coding-DNA position 239, T replaced by C.
Protein change: p.Met80Thr; replaces methionine 80 with threonine.
Molecular consequence: missense variant.
Genome position (GRCh38, 1-based): chr21:33,421,512, T>C. VCF-style: chr21-33421512-T-C. GRCh37 (hg19) VCF-style: chr21-34793819-T-C.
Other names: c.296T>C, p.Met99Thr (NM_001329128.2); short protein forms M99T, M80T.
Identifiers: ClinVar variation 1481464 (VCV001481464.5), dbSNP rs775577939, ClinGen allele CA10006899.